The following is an entry in ClinVar:

NM_000238.4(KCNH2):c.221C>G (p.Thr74Arg)

Gene: KCNH2 (potassium voltage-gated channel subfamily H member 2; minus strand). Cytogenetic location: 7q36.1.
Variant type: single nucleotide variant.
Coding change: c.221C>G on transcript NM_000238.4 (MANE Select); coding-DNA position 221, C replaced by G.
Protein change: p.Thr74Arg; replaces threonine 74 with arginine.
Molecular consequence: missense variant.
Genome position (GRCh38, 1-based): chr7:150,974,797, G>C on the plus strand (C>G on the coding strand, the complement: KCNH2 is on the minus strand). VCF-style: chr7-150974797-G-C. GRCh37 (hg19) VCF-style: chr7-150671885-G-C.
Other names: p.T74R:ACG>AGG; c.221C>G (LRG_288t1); c.44C>G, p.Thr15Arg (NM_001406755.1); c.221C>G, p.Thr74Arg (NM_172056.3); short protein forms T74R, T15R.
Identifiers: ClinVar variation 67376 (VCV000067376.11), dbSNP rs199473422, ClinGen allele CA006358.

ClinVar aggregate classification (germline): Conflicting classifications of pathogenicity. Review status: criteria provided, conflicting classifications (1 of 4 stars). 3 submissions from 3 submitters: Pathogenic (1); Uncertain significance (1). 1 of the submissions does not count toward it. Last evaluated 2024-12-02.

Conditions:
Familial long QT syndrome (RWS). Also called: Congenital long QT syndrome; Romano-Ward syndrome; VENTRICULAR FIBRILLATION WITH PROLONGED QT INTERVAL. Identifiers: Orphanet 768, MedGen C1141890, MONDO:0019171.
Long QT syndrome (LQTS). Identifiers: MedGen C0023976, MeSH D008133, MONDO:0002442. Disease mechanism: loss of function. Inheritance: Various modes of inheritance.

Submissions (3):

Labcorp Genetics (formerly Invitae), Labcorp
Classification: Uncertain significance for Long QT syndrome. Last evaluated: 2024-12-02. Review status: criteria provided, single submitter. Criteria: Invitae Variant Classification Sherloc (09022015). Collection method: clinical testing. Allele origin: germline.
Comment: This sequence change replaces threonine, which is neutral and polar, with arginine, which is basic and polar, at codon 74 of the KCNH2 protein (p.Thr74Arg). This variant is not present in population databases (gnomAD no frequency). This missense change has been observed in individual(s) with clinical features of long QT syndrome (PMID: 19716085; internal data). ClinVar contains an entry for this variant (Variation ID: 67376). An algorithm developed to predict the effect of missense changes on protein structure and function (PolyPhen-2) suggests that this variant is likely to be disruptive. Experimental studies have shown that this missense change affects KCNH2 function (PMID: 25417810). This variant disrupts the p.Thr74 amino acid residue in KCNH2. Other variant(s) that disrupt this residue have been observed in individuals with KCNH2-related conditions (internal data), which suggests that this may be a clinically significant amino acid residue. In summary, the available evidence is currently insufficient to determine the role of this variant in disease. Therefore, it has been classified as a Variant of Uncertain Significance.

GeneDx
Classification: Pathogenic. Last evaluated: 2023-04-06. Review status: criteria provided, single submitter. Criteria: GeneDx Variant Classification Process June 2021. Collection method: clinical testing. Allele origin: germline. Affected: yes.
Comment: Published functional studies demonstrate a trafficking defect and dominant-negative effect (Anderson et al., 2014; Oliveira-Mendes et al., 2021); Not observed at significant frequency in large population cohorts (gnomAD); In silico analysis supports that this missense variant has a deleterious effect on protein structure/function; This variant is associated with the following publications: (PMID: 19716085, Immadisetty2021, 34841674, 32475984, 25417810)

Cardiovascular Biomedical Research Unit, Royal Brompton & Harefield NHS Foundation Trust
No classification provided. Condition: Familial long QT syndrome. Review status: no classification provided. Collection method: literature only. Allele origin: germline. Not counted in ClinVar's aggregate classification.
Comment: This variant has been reported as associated with Long QT syndrome in the following publications (PMID:19716085). This is a literature report, and does not necessarily reflect the clinical interpretation of the Imperial College / Royal Brompton Cardiovascular Genetics laboratory.

Literature cited by the submitters: PubMed 19716085 (cited by Labcorp Genetics (formerly Invitae), Labcorp and Cardiovascular Biomedical Research Unit, Royal Brompton & Harefield NHS Foundation Trust); PubMed 25417810 (cited by Labcorp Genetics (formerly Invitae), Labcorp); PubMed 22581653 (cited by Cardiovascular Biomedical Research Unit, Royal Brompton & Harefield NHS Foundation Trust).